The following is an entry in ClinVar:

NM_001367561.1(DOCK7):c.6395G>A (p.Arg2132Gln)

Gene: DOCK7 (dedicator of cytokinesis 7; minus strand). Cytogenetic location: 1p31.3.
Variant type: single nucleotide variant.
Coding change: c.6395G>A on transcript NM_001367561.1 (MANE Select); coding-DNA position 6395, G replaced by A.
Protein change: p.Arg2132Gln; replaces arginine 2132 with glutamine.
Molecular consequence: missense variant.
Genome position (GRCh38, 1-based): chr1:62,455,442, C>T on the plus strand (G>A on the coding strand, the complement: DOCK7 is on the minus strand). VCF-style: chr1-62455442-C-T. GRCh37 (hg19) VCF-style: chr1-62921113-C-T.
Other names: c.6362G>A, p.Arg2121Gln (NM_001271999.2); c.6275G>A, p.Arg2092Gln (NM_001272000.2); c.6269G>A, p.Arg2090Gln (NM_001272001.2); c.6368G>A, p.Arg2123Gln (NM_001330614.2); c.6302G>A, p.Arg2101Gln (NM_033407.4); short protein forms R2092Q, R2101Q, R2121Q, R2090Q, R2123Q, R2132Q.
Identifiers: ClinVar variation 1382783 (VCV001382783.7), dbSNP rs1267119839, ClinGen allele CA340628775.
Genomic context (GRCh38, chr1:62,455,442, plus strand): 5'-CTTTGCAGATGAATAAAACAAGTGCATTCAGTTTAGAGATCCATTTTGCGAAGGCTCATT[C>T]GACTGAAGGAATCTCTGGGAAAAAAATGAGAGGACATAGTTAGTTAAAGAGAACAATTTT-3'
Protein context (NP_001354490.1, residues 2122-2140): PVTCHRDSFS[Arg2132Gln]MSLRKMDL

ClinVar aggregate classification (germline): Uncertain significance (1 of 4 stars; one submission).

Conditions:
Developmental and epileptic encephalopathy, 23 (DEE23). Also called: Epileptic encephalopathy, early infantile, 23. Identifiers: Orphanet 411986, MedGen C4014492, MONDO:0014371, OMIM 615859.

Allele frequency attached by ClinVar (database versions not stated): gnomAD 0.00001; gnomAD exomes below 0.00001.
gnomAD v4.1: 6 of 1,613,372 alleles (0.00037%); highest among the groups gnomAD compares: Admixed American, 0.0017%; no homozygotes.

Submission:

Labcorp Genetics (formerly Invitae), Labcorp
Classification: Uncertain significance for Developmental and epileptic encephalopathy, 23. Last evaluated: 2022-10-17. Review status: criteria provided, single submitter. Criteria: Invitae Variant Classification Sherloc (09022015). Collection method: clinical testing. Allele origin: germline.
Comment: The frequency data for this variant in the population databases is considered unreliable, as metrics indicate poor data quality at this position in the gnomAD database. This variant has not been reported in the literature in individuals affected with DOCK7-related conditions. ClinVar contains an entry for this variant (Variation ID: 1382783). Advanced modeling of protein sequence and biophysical properties (such as structural, functional, and spatial information, amino acid conservation, physicochemical variation, residue mobility, and thermodynamic stability) performed at Invitae indicates that this missense variant is not expected to disrupt DOCK7 protein function. In summary, the available evidence is currently insufficient to determine the role of this variant in disease. Therefore, it has been classified as a Variant of Uncertain Significance. This sequence change replaces arginine, which is basic and polar, with glutamine, which is neutral and polar, at codon 2121 of the DOCK7 protein (p.Arg2121Gln).